The following is an entry in ClinVar:

ClinVar aggregate classification (germline): Pathogenic/Likely pathogenic. Review status: criteria provided, multiple submitters, no conflicts (2 of 4 stars). 2 submissions from 2 submitters: Pathogenic (1); Likely pathogenic (1). Last evaluated 2024-08-27.

Conditions:
Fanconi anemia (FA). Also called: Fanconi's anemia. Identifiers: Orphanet 84, MedGen C0015625, MeSH D005199, MONDO:0019391.
Fanconi anemia complementation group G. Also called: Fanconi anemia group G; FANCG-Related Fanconi Anemia. Identifiers: Orphanet 84, MedGen C3469527, MONDO:0013565, OMIM 614082.

Submissions (2):

Labcorp Genetics (formerly Invitae), Labcorp
Classification: Pathogenic for Fanconi anemia. Last evaluated: 2024-08-27. Review status: criteria provided, single submitter. Criteria: Invitae Variant Classification Sherloc (09022015). Collection method: clinical testing. Allele origin: germline.
Comment: This sequence change creates a premature translational stop signal (p.Glu304Trpfs*4) in the FANCG gene. It is expected to result in an absent or disrupted protein product. Loss-of-function variants in FANCG are known to be pathogenic (PMID: 12552564). This variant is not present in population databases (gnomAD no frequency). This variant has not been reported in the literature in individuals affected with FANCG-related conditions. ClinVar contains an entry for this variant (Variation ID: 2421999). For these reasons, this variant has been classified as Pathogenic.

Baylor Genetics
Classification: Likely pathogenic for Fanconi anemia complementation group G. Last evaluated: 2022-08-12. Review status: criteria provided, single submitter. Criteria: ACMG Guidelines, 2015. Collection method: clinical testing. Allele origin: unknown.

Literature cited by the submitters: PubMed 12552564 (cited by Labcorp Genetics (formerly Invitae), Labcorp).

NM_004629.2(FANCG):c.907_908dup (p.Glu304fs)

Gene: FANCG (FA complementation group G; minus strand). Cytogenetic location: 9p13.3.
Variant type: Duplication.
Coding change: c.907_908dup on transcript NM_004629.2 (MANE Select); coding-DNA positions 907 to 908, 2 bases duplicated (CT; older notation c.907_908dupCT).
Protein change: p.Glu304fs; shifts the reading frame from glutamic acid 304.
Molecular consequence: frameshift variant.
Genome position (GRCh38, 1-based): chr9:35,076,740-35,076,741, AG duplicated on the plus strand (CT on the coding strand, the reverse complement: FANCG is on the minus strand); duplicating any 2 consecutive bases within chr9:35,076,740-35,076,742 gives the same sequence; the c. name uses the placement nearest the transcript's 3' end. VCF-style (leftmost placement, unchanged base first): chr9-35076739-C-CAG. GRCh37 (hg19) VCF-style: chr9-35076736-C-CAG.
Other names: short protein forms E304fs.
Identifiers: ClinVar variation 2421999 (VCV002421999.7), dbSNP rs1829092043, ClinGen allele CA1845840622.